The following is an entry in ClinVar:

ClinVar aggregate classification (germline): Pathogenic (1 of 4 stars; one submission).

Conditions:
Mucopolysaccharidosis type 6 (MPS6). Also called: N-ACETYLGALACTOSAMINE-4-SULFATASE DEFICIENCY; MPS VI; MPS 6; Maroteaux Lamy syndrome; ARSB DEFICIENCY; ARYLSULFATASE B DEFICIENCY. Identifiers: Orphanet 583, MedGen C0026709, MONDO:0009661, OMIM 253200.

Submission:

Laboratory of Diagnosis and Therapy of Lysosomal Disorders, University of Padova
Classification: Pathogenic for Mucopolysaccharidosis type 6. Last evaluated: 2018-01-01. Review status: criteria provided, single submitter. Criteria: ACMG Guidelines, 2015. Collection method: curation. Allele origin: germline. Affected: yes.
Comment: Nonsense variant (PVS1); In vitro functional studies supportive of a damaging effect on the gene product (low to no ARSB activity in homozygotes; PS3); Absent from GnomAD (PM2)

Literature cited by the submitters: PubMed 26609033; PubMed 30118150.

NM_000046.5(ARSB):c.1059G>A (p.Trp353Ter)

Gene: ARSB (arylsulfatase B; minus strand). Cytogenetic location: 5q14.1.
Variant type: single nucleotide variant.
Coding change: c.1059G>A on transcript NM_000046.5 (MANE Select); coding-DNA position 1059, G replaced by A.
Protein change: p.Trp353Ter; replaces tryptophan 353 with a stop codon.
Molecular consequence: nonsense.
Genome position (GRCh38, 1-based): chr5:78,885,667, C>T on the plus strand (G>A on the coding strand, the complement: ARSB is on the minus strand). VCF-style: chr5-78885667-C-T. GRCh37 (hg19) VCF-style: chr5-78181490-C-T.
Other names: c.1059G>A, p.Trp353Ter (NM_198709.3); short protein forms W353*.
Identifiers: ClinVar variation 559671 (VCV000559671.1), dbSNP rs1554079296, ClinGen allele CA360342896.